The following is an entry in ClinVar:

NM_181882.3(PRX):c.439G>A (p.Val147Ile)

Gene: PRX (periaxin; minus strand). Cytogenetic location: 19q13.2.
Variant type: single nucleotide variant.
Coding change: c.439G>A on transcript NM_181882.3 (MANE Select); coding-DNA position 439, G replaced by A.
Protein change: p.Val147Ile; replaces valine 147 with isoleucine.
Molecular consequence: missense variant. On other transcripts: 3 prime UTR variant (1).
Genome position (GRCh38, 1-based): chr19:40,397,913, C>T on the plus strand (G>A on the coding strand, the complement: PRX is on the minus strand). VCF-style: chr19-40397913-C-T. GRCh37 (hg19) VCF-style: chr19-40903820-C-T.
Other names: c.724G>A, p.Val242Ile (NM_001411127.1); c.*644G>A (NM_020956.2); short protein forms V147I, V242I.
Identifiers: ClinVar variation 1913015 (VCV001913015.6), dbSNP rs1051752419, ClinGen allele CA308421988.

ClinVar aggregate classification (germline): Uncertain significance. Review status: criteria provided, multiple submitters, no conflicts (2 of 4 stars). 2 submissions from 2 submitters: Uncertain significance (2). Last evaluated 2025-04-25.

Conditions:
Charcot-Marie-Tooth disease type 4. Also called: Charcot-Marie-Tooth disease, type IV; Charcot-Marie-Tooth, Type 4. Identifiers: Orphanet 64749, MedGen C4082197, MONDO:0018995.
Inborn genetic diseases. Identifiers: MedGen C0950123, MeSH D030342.

Allele frequency attached by ClinVar (database versions not stated): gnomAD 0.00001; TOPMed 0.00002.

Submissions (2):

Ambry Genetics
Classification: Uncertain significance for Inborn genetic diseases. Last evaluated: 2025-04-25. Review status: criteria provided, single submitter. Criteria: Ambry Variant Classification Scheme 2023. Collection method: clinical testing. Allele origin: germline.

Labcorp Genetics (formerly Invitae), Labcorp
Classification: Uncertain significance for Charcot-Marie-Tooth disease type 4. Last evaluated: 2022-06-03. Review status: criteria provided, single submitter. Criteria: Invitae Variant Classification Sherloc (09022015). Collection method: clinical testing. Allele origin: germline.
Comment: In summary, the available evidence is currently insufficient to determine the role of this variant in disease. Therefore, it has been classified as a Variant of Uncertain Significance. Algorithms developed to predict the effect of missense changes on protein structure and function output the following: SIFT: "Tolerated"; PolyPhen-2: "Benign"; Align-GVGD: "Class C0". The isoleucine amino acid residue is found in multiple mammalian species, which suggests that this missense change does not adversely affect protein function. This variant has not been reported in the literature in individuals affected with PRX-related conditions. This variant is not present in population databases (gnomAD no frequency). This sequence change replaces valine, which is neutral and non-polar, with isoleucine, which is neutral and non-polar, at codon 147 of the PRX protein (p.Val147Ile).